The following is an entry in ClinVar:

NM_001089.3(ABCA3):c.2809G>A (p.Val937Ile)

Gene: ABCA3 (ATP binding cassette subfamily A member 3; minus strand). Cytogenetic location: 16p13.3.
Variant type: single nucleotide variant.
Coding change: c.2809G>A on transcript NM_001089.3 (MANE Select); coding-DNA position 2809, G replaced by A.
Protein change: p.Val937Ile; replaces valine 937 with isoleucine.
Molecular consequence: missense variant.
Genome position (GRCh38, 1-based): chr16:2,288,221, C>T on the plus strand (G>A on the coding strand, the complement: ABCA3 is on the minus strand). VCF-style: chr16-2288221-C-T. GRCh37 (hg19) VCF-style: chr16-2338222-C-T.
Other names: short protein forms V937I.
Identifiers: ClinVar variation 1404448 (VCV001404448.5), dbSNP rs376036997, ClinGen allele CA7840696.

ClinVar aggregate classification (germline): Uncertain significance (1 of 4 stars; one submission).

Allele frequency attached by ClinVar (database versions not stated): gnomAD 0.00005; TOPMed 0.00005; ESP Exome Variant Server 0.00023; ExAC 0.00002; gnomAD exomes 0.00003.
gnomAD v4.1: 23 of 1,597,904 alleles (0.0014%); highest among the groups gnomAD compares: African/African-American, 0.013%; no homozygotes.

Submission:

Labcorp Genetics (formerly Invitae), Labcorp
Classification: Uncertain significance. Last evaluated: 2021-08-20. Review status: criteria provided, single submitter. Criteria: Invitae Variant Classification Sherloc (09022015). Collection method: clinical testing. Allele origin: germline.
Comment: This sequence change replaces valine with isoleucine at codon 937 of the ABCA3 protein (p.Val937Ile). The valine residue is weakly conserved and there is a small physicochemical difference between valine and isoleucine. This variant is present in population databases (rs376036997, ExAC 0.02%). This variant has not been reported in the literature in individuals affected with ABCA3-related conditions. Algorithms developed to predict the effect of missense changes on protein structure and function output the following: SIFT: "Tolerated"; PolyPhen-2: "Benign"; Align-GVGD: "Class C0". The isoleucine amino acid residue is found in multiple mammalian species, which suggests that this missense change does not adversely affect protein function. In summary, the available evidence is currently insufficient to determine the role of this variant in disease. Therefore, it has been classified as a Variant of Uncertain Significance.